The following is an entry in ClinVar:

ClinVar aggregate classification (germline): Likely pathogenic (1 of 4 stars; one submission).

Conditions:
Autosomal recessive limb-girdle muscular dystrophy type 2J (LGMDR10). Also called: Limb-girdle muscular dystrophy, type 2J; MUSCULAR DYSTROPHY, LIMB-GIRDLE, AUTOSOMAL RECESSIVE 10. Identifiers: Orphanet 140922, MedGen C1837342, MONDO:0012127, OMIM 608807.
Dilated cardiomyopathy 1G (CMD1G). Identifiers: Orphanet 154, MedGen C1858763, MONDO:0011400, OMIM 604145.

Submission:

Labcorp Genetics (formerly Invitae), Labcorp
Classification: Likely pathogenic for Dilated cardiomyopathy 1G; Autosomal recessive limb-girdle muscular dystrophy type 2J. Last evaluated: 2024-10-18. Review status: criteria provided, single submitter. Criteria: Invitae Variant Classification Sherloc (09022015). Collection method: clinical testing. Allele origin: germline.
Comment: This sequence change creates a premature translational stop signal (p.Glu868*) in the TTN gene. While this is not anticipated to result in nonsense mediated decay, it is expected to create a truncated TTN protein. This variant is not present in population databases (gnomAD no frequency). This variant has not been reported in the literature in individuals affected with TTN-related conditions. ClinVar contains an entry for this variant (Variation ID: 2014953). This variant is located in the Z band of TTN (PMID: 25589632). Truncating variants in this region have been reported in individuals affected with autosomal recessive centronuclear myopathy (PMID: 33449170, internal data). Truncating variants in this region have also been identified in individuals affected with autosomal dominant dilated cardiomyopathy and/or cardio-related conditions (PMID: 27869827, 32964742, internal data). In summary, the currently available evidence indicates that the variant is pathogenic, but additional data are needed to prove that conclusively. Therefore, this variant has been classified as Likely Pathogenic.

Literature cited by the submitters: PubMed 25589632; PubMed 33449170; PubMed 27869827; PubMed 32964742.

NM_001267550.2(TTN):c.2601dup (p.Glu868Ter)

Gene: TTN (titin; minus strand). Cytogenetic location: 2q31.2.
Variant type: Duplication.
Coding change: c.2601dup on transcript NM_001267550.2 (MANE Select); coding-DNA position 2601, one base duplicated (T; older notation c.2601dupT).
Protein change: p.Glu868Ter; replaces glutamic acid 868 with a stop codon.
Molecular consequence: nonsense.
Genome position (GRCh38, 1-based): chr2:178,784,244, A duplicated on the plus strand (T on the coding strand, the reverse complement: TTN is on the minus strand). VCF-style (leftmost placement, unchanged base first): chr2-178784243-C-CA. GRCh37 (hg19) VCF-style: chr2-179648970-C-CA.
Other names: c.2601dup, p.Glu868Ter (NM_001256850.1, NM_133378.4, NM_133379.5); c.2463dup, p.Glu822Ter (NM_003319.4, NM_133432.3, NM_133437.4); short protein forms E868*, E822*.
Identifiers: ClinVar variation 2014953 (VCV002014953.4), dbSNP rs2533459270, ClinGen allele CA2580065171.